The following is an entry in ClinVar:

NM_015311.3(OBSL1):c.3790+5G>T

Gene: OBSL1 (obscurin like cytoskeletal adaptor 1; minus strand). Cytogenetic location: 2q35.
Variant type: single nucleotide variant.
Coding change: c.3790+5G>T on transcript NM_015311.3 (MANE Select); 5 bases into the intron after coding-DNA position 3790, G replaced by T.
Molecular consequence: intron variant.
Genome position (GRCh38, 1-based): chr2:219,557,818, C>A on the plus strand (G>T on the coding strand, the complement: OBSL1 is on the minus strand). VCF-style: chr2-219557818-C-A. GRCh37 (hg19) VCF-style: chr2-220422540-C-A.
Other names: c.3790+5G>T (NM_001173431.2).
Identifiers: ClinVar variation 3698239 (VCV003698239.3).

ClinVar aggregate classification (germline): Uncertain significance (1 of 4 stars; one submission).

gnomAD v4.1: 6 of 1,595,430 alleles (0.00038%); highest among the groups gnomAD compares: Non-Finnish European, 0.00042%; no homozygotes.

Submissions (2):

Labcorp Genetics (formerly Invitae), Labcorp
Classification: Uncertain significance. Last evaluated: 2024-05-06. Review status: criteria provided, single submitter. Criteria: Invitae Variant Classification Sherloc (09022015). Collection method: clinical testing. Allele origin: germline.
Comment: This sequence change falls in intron 11 of the OBSL1 gene. It does not directly change the encoded amino acid sequence of the OBSL1 protein. It affects a nucleotide within the consensus splice site. The frequency data for this variant in the population databases is considered unreliable, as metrics indicate poor data quality at this position in the gnomAD database. This variant has not been reported in the literature in individuals affected with OBSL1-related conditions. Variants that disrupt the consensus splice site are a relatively common cause of aberrant splicing (PMID: 17576681, 9536098). Algorithms developed to predict the effect of sequence changes on RNA splicing suggest that this variant may disrupt the consensus splice site. In summary, the available evidence is currently insufficient to determine the role of this variant in disease. Therefore, it has been classified as a Variant of Uncertain Significance.

Dr. Peter K. Rogan Lab, Western University
No classification provided (evidence only). Condition: Malignant tumor of esophagus. Review status: no classification provided. Collection method: in vitro. Allele origin: not applicable. Functional consequence: retained intron. Not counted in ClinVar's aggregate classification.

Literature cited by the submitters: PubMed 17576681 (cited by Labcorp Genetics (formerly Invitae), Labcorp); PubMed 9536098 (cited by Labcorp Genetics (formerly Invitae), Labcorp).